The following is an entry in ClinVar:

ClinVar aggregate classification (germline): Likely benign. Review status: criteria provided, multiple submitters, no conflicts (2 of 4 stars). 2 submissions from 2 submitters: Likely benign (2). Last evaluated 2026-08-16.

Conditions:
Cardiovascular phenotype. Identifiers: MedGen CN230736.

gnomAD v4.1: 7 of 1,557,990 alleles (0.00045%); highest among the groups gnomAD compares: Non-Finnish European, 0.00061%; no homozygotes.

Submissions (2):

Ambry Genetics
Classification: Likely benign for Cardiovascular phenotype. Last evaluated: 2026-08-16. Review status: criteria provided, single submitter. Criteria: Ambry Variant Classification Scheme 2023. Collection method: clinical testing. Allele origin: germline.

CeGaT Center for Human Genetics Tuebingen
Classification: Likely benign. Last evaluated: 2025-11-01. Review status: criteria provided, single submitter. Criteria: CeGaT Center For Human Genetics Tuebingen Variant Classification Criteria Version 2. Collection method: clinical testing. Allele origin: germline. Affected: yes. Observed: 2 variant alleles.
Comment: MAP2K2: BP4, BP7

NM_030662.4(MAP2K2):c.84C>A (p.Gly28=)

Genes: MAP2K2 (mitogen-activated protein kinase kinase 2; minus strand), LOC130063193 (ATAC-STARR-seq lymphoblastoid silent region 9881; plus strand). Cytogenetic location: 19p13.3.
Variant type: single nucleotide variant.
Coding change: c.84C>A on transcript NM_030662.4 (MANE Select); coding-DNA position 84, C replaced by A.
Protein change: p.Gly28=; no amino-acid change (glycine 28 retained).
Molecular consequence: synonymous variant.
Genome position (GRCh38, 1-based): chr19:4,123,792, G>T on the plus strand (C>A on the coding strand, the complement: MAP2K2 is on the minus strand). VCF-style: chr19-4123792-G-T. GRCh37 (hg19) VCF-style: chr19-4123789-G-T.
Identifiers: ClinVar variation 3388683 (VCV003388683.15).